The following is an entry in ClinVar:

NM_000492.4(CFTR):c.846A>T (p.Glu282Asp)

Gene: CFTR (CF transmembrane conductance regulator; plus strand). Cytogenetic location: 7q31.2.
Variant type: single nucleotide variant.
Coding change: c.846A>T on transcript NM_000492.4 (MANE Select); coding-DNA position 846, A replaced by T.
Protein change: p.Glu282Asp; replaces glutamic acid 282 with aspartic acid.
Molecular consequence: missense variant.
Genome position (GRCh38, 1-based): chr7:117,536,650, A>T. VCF-style: chr7-117536650-A-T. GRCh37 (hg19) VCF-style: chr7-117176704-A-T.
Other names: short protein forms E282D.
Identifiers: ClinVar variation 35891 (VCV000035891.31), dbSNP rs142864834, ClinGen allele CA260260.

ClinVar aggregate classification (germline): Uncertain significance. Review status: criteria provided, multiple submitters, no conflicts (2 of 4 stars). 12 submissions from 12 submitters: Uncertain significance (11). 1 of the submissions does not count toward it. Last evaluated 2026-06-04.

Conditions:
CFTR-related disorder (CFTR-RD). Also called: CFTR-related condition; CFTR-related disorders. Identifiers: MedGen C5924204, MONDO:7770004.
Cystic fibrosis (CF). Also called: MUCOVISCIDOSIS. Identifiers: Orphanet 586, MedGen C0010674, MONDO:0009061, OMIM 219700. Disease mechanism: loss of function.

Allele frequency attached by ClinVar (database versions not stated): gnomAD exomes 0.00002 and 0.00005; ExAC 0.00005; gnomAD 0.00025; TOPMed 0.00025; ESP Exome Variant Server 0.00038.
gnomAD v4.1: 61 of 1,611,774 alleles (0.0038%); highest among the groups gnomAD compares: African/African-American, 0.069%; no homozygotes.

Submissions (12):

PreventionGenetics, part of Exact Sciences
Classification: Uncertain significance for CFTR-related condition. Last evaluated: 2026-06-04. Review status: criteria provided, single submitter. Criteria: ACMG Guidelines, 2015. Collection method: clinical testing. Allele origin: germline.
Comment: The CFTR c.846A>T variant is predicted to result in the amino acid substitution p.Glu282Asp. To our knowledge, this variant has not been reported in the literature in individuals with cystic fibrosis (CF) or CFTR-related disease (CFTR-RD) (Naslavsky et al. 2017. PubMed ID: 28332257; Table S1, Saferali et al. 2022. PubMed ID: 34996830; Mekki et al. 2021. PubMed ID: 33946859). It has not been reported in CFTR2 database in individuals with CF or CFTR-RD, but has been reported in CFTR France database in one individual with CFTR-RD. Functional studies demonstrate a reduction of chloride channel function to ~28% of wild-type (Bihler et al. 2024. PubMed ID: 38388235). This variant is reported in 0.077% of alleles in individuals of African descent in gnomAD. At this time, the clinical significance of this variant is uncertain due to the absence of conclusive functional and genetic evidence.

Labcorp Genetics (formerly Invitae), Labcorp
Classification: Uncertain significance for Cystic fibrosis. Last evaluated: 2026-02-03. Review status: criteria provided, single submitter. Criteria: Invitae Variant Classification Sherloc (09022015). Collection method: clinical testing. Allele origin: germline.
Comment: This sequence change replaces glutamic acid, which is acidic and polar, with aspartic acid, which is acidic and polar, at codon 282 of the CFTR protein (p.Glu282Asp). This variant is present in population databases (rs142864834, gnomAD 0.07%). This variant has not been reported in the literature in individuals affected with CFTR-related conditions. ClinVar contains an entry for this variant (Variation ID: 35891). Invitae Evidence Modeling of protein sequence and biophysical properties (such as structural, functional, and spatial information, amino acid conservation, physicochemical variation, residue mobility, and thermodynamic stability) indicates that this missense variant is not expected to disrupt CFTR protein function with a negative predictive value of 80%. In summary, the available evidence is currently insufficient to determine the role of this variant in disease. Therefore, it has been classified as a Variant of Uncertain Significance.

Mayo Clinic Laboratories, Mayo Clinic
Classification: Uncertain significance. Last evaluated: 2025-10-09. Review status: criteria provided, single submitter. Criteria: ACMG Guidelines, 2015. Collection method: clinical testing. Allele origin: germline. Observed: 1 variant allele.
Comment: PP3

Women's Health and Genetics/Laboratory Corporation of America, LabCorp
Classification: Uncertain significance. Last evaluated: 2025-08-28. Review status: criteria provided, single submitter. Criteria: LabCorp Variant Classification Summary - May 2015. Collection method: clinical testing. Allele origin: germline.
Comment: Variant summary: CFTR c.846A>T (p.Glu282Asp) results in a conservative amino acid change located in the ABC transporter type 1, transmembrane domain (IPR011527) of the encoded protein sequence. Algorithms developed to predict the effect of missense changes on protein structure and function are either unavailable or do not agree on the potential impact of this missense change. The variant allele was found at a frequency of 4.8e-05 in 249426 control chromosomes. This frequency is not significantly higher than estimated for disease-causing variants in CFTR, allowing no conclusion about variant significance. To our knowledge, no occurrence of c.846A>T in individuals affected with CFTR-related conditions has been reported. At least one publication reports experimental evidence evaluating an impact on protein function (Bihler_2024). The most pronounced variant effect results in approximately 28% of normal chloride channel conductance relative to wild type. The following publications have been ascertained in the context of this evaluation (PMID: 38388235, 28332257, 34996830). ClinVar contains an entry for this variant (Variation ID: 35891). Based on the evidence outlined above, the variant was classified as VUS-possibly pathogenic.

Ambry Genetics
Classification: Uncertain significance for Cystic fibrosis. Last evaluated: 2024-02-13. Review status: criteria provided, single submitter. Criteria: Ambry Variant Classification Scheme 2023. Collection method: clinical testing. Allele origin: germline.
Comment: The p.E282D variant (also known as c.846A>T), located in coding exon 7 of the CFTR gene, results from an A to T substitution at nucleotide position 846. The glutamic acid at codon 282 is replaced by aspartic acid, an amino acid with highly similar properties. This amino acid position is highly conserved in available vertebrate species. In addition, the in silico prediction for this alteration is inconclusive. Based on the available evidence, the clinical significance of this alteration remains unclear.

GeneDx
Classification: Uncertain significance. Last evaluated: 2022-11-26. Review status: criteria provided, single submitter. Criteria: GeneDx Variant Classification Process June 2021. Collection method: clinical testing. Allele origin: germline. Affected: yes.
Comment: Observed in the heterozygous state in an elderly patient undergoing whole exome sequencing and in the heterozygous state in a parent of a pregnancy with fetal bowel abnormalities (Naslavsky et al., 2017; Mekki et al., 2021); In silico analysis supports that this missense variant does not alter protein structure/function; This variant is associated with the following publications: (PMID: 33946859, 34996830, 28332257)

Johns Hopkins Genomics, Johns Hopkins University
Classification: Uncertain significance for Cystic fibrosis. Last evaluated: 2021-09-07. Review status: criteria provided, single submitter. Criteria: ACMG Guidelines, 2015. Collection method: clinical testing. Allele origin: germline.
Comment: This CFTR variant (rs142864834) is rare (<0.1%) in a large population dataset (gnomAD: 20/280824 total alleles; 0.007%; no homozygotes) and has been reported in ClinVar (Variation ID: 35891). It has been reported as a variant of uncertain clinical significance in a single study. Of three bioinformatics tools queried, two predict that the substitution would be damaging, while one predicts that it would be tolerated. The glutamic acid residue at this position is evolutionarily conserved across most species assessed. We consider the clinical significance of CFTR c.846A>T to be uncertain at this time.

Genome-Nilou Lab
Classification: Uncertain significance for Cystic fibrosis. Last evaluated: 2021-09-05. Review status: criteria provided, single submitter. Criteria: ACMG Guidelines, 2015. Collection method: clinical testing. Allele origin: germline. Affected: no.

Blueprint Genetics
Classification: Uncertain significance. Last evaluated: 2020-04-16. Review status: criteria provided, single submitter. Criteria: ACMG Guidelines, 2015. Collection method: clinical testing. Allele origin: germline.

Eurofins Ntd Llc (ga)
Classification: Uncertain significance. Last evaluated: 2018-05-23. Review status: criteria provided, single submitter. Criteria: EGL ClinVar v180209 classification definitions. Collection method: clinical testing. Allele origin: germline. Observed: 3 variant alleles, 3 heterozygotes.

ARUP Laboratories, Molecular Genetics and Genomics, ARUP Laboratories
Classification: Uncertain significance. Last evaluated: 2016-11-08. Review status: criteria provided, single submitter. Criteria: ARUP Molecular Germline Variant Investigation Process. Collection method: clinical testing. Allele origin: germline.

Natera, Inc.
Classification: Uncertain significance for CFTR-related disorders. Last evaluated: 2018-04-28. Review status: no assertion criteria provided. Collection method: clinical testing. Allele origin: germline. Not counted in ClinVar's aggregate classification.

Literature cited by the submitters: PubMed 28332257 (cited by Mayo Clinic Laboratories, Mayo Clinic and Women's Health and Genetics/Laboratory Corporation of America, LabCorp); PubMed 33946859 (cited by 3 submitters); PubMed 38388235 (cited by Mayo Clinic Laboratories, Mayo Clinic and Women's Health and Genetics/Laboratory Corporation of America, LabCorp); PubMed 34996830 (cited by Women's Health and Genetics/Laboratory Corporation of America, LabCorp).